The following is an entry in ClinVar:

NM_005883.3(APC2):c.5577C>G (p.Pro1859=)

Gene: APC2 (APC regulator of Wnt signaling pathway 2; plus strand). Cytogenetic location: 19p13.3.
Variant type: single nucleotide variant.
Coding change: c.5577C>G on transcript NM_005883.3 (MANE Select); coding-DNA position 5577, C replaced by G.
Protein change: p.Pro1859=; no amino-acid change (proline 1859 retained).
Molecular consequence: synonymous variant.
Genome position (GRCh38, 1-based): chr19:1,468,878, C>G. VCF-style: chr19-1468878-C-G. GRCh37 (hg19) VCF-style: chr19-1468877-C-G.
Other names: c.5574C>G, p.Pro1858= (NM_001351273.1).
Identifiers: ClinVar variation 712227 (VCV000712227.5), dbSNP rs1030001691, ClinGen allele CA304081685.

ClinVar aggregate classification (germline): Likely benign. Review status: criteria provided, single submitter (1 of 4 stars). 2 submissions from 2 submitters: Likely benign (1). 1 of the submissions does not count toward it. Last evaluated 2017-10-19.

Conditions:
APC2-related disorder. Also called: APC2-Related Disorders; APC2-related condition.

Allele frequency attached by ClinVar (database versions not stated): gnomAD 0.00001; TOPMed 0.00003.
gnomAD v4.1: 2 of 1,539,454 alleles (0.00013%); highest among the groups gnomAD compares: African/African-American, 0.0014%; no homozygotes.

Submissions (2):

Labcorp Genetics (formerly Invitae), Labcorp
Classification: Likely benign. Last evaluated: 2017-10-19. Review status: criteria provided, single submitter. Criteria: Invitae Variant Classification Sherloc (09022015). Collection method: clinical testing. Allele origin: germline.

PreventionGenetics, part of Exact Sciences
Classification: Likely benign for APC2-related condition. Last evaluated: 2023-03-10. Review status: no assertion criteria provided. Collection method: clinical testing. Allele origin: germline. Not counted in ClinVar's aggregate classification.
Comment: This variant is classified as likely benign based on ACMG/AMP sequence variant interpretation guidelines (Richards et al. 2015 PMID: 25741868, with internal and published modifications).